The following is an entry in ClinVar:

ClinVar aggregate classification (germline): Benign/Likely benign. Review status: criteria provided, multiple submitters, no conflicts (2 of 4 stars). 7 submissions from 7 submitters: Benign (3); Likely benign (3). 1 of the submissions does not count toward it. Last evaluated 2026-07-01.

Conditions:
Hereditary sensory and autonomic neuropathy type 6. Also called: HSAN VI; Neuropathy, hereditary sensory and autonomic, type VI. Identifiers: Orphanet 314381, MedGen C3539003, MONDO:0013839, OMIM 614653.
Epidermolysis bullosa simplex 3, localized or generalized intermediate, with BP230 deficiency (EBS3). Also called: Epidermolysis bullosa simplex, autosomal recessive 2; Epidermolysis bullosa simplex due to BP230 deficiency. Identifiers: Orphanet 412181, MedGen C3809470, MONDO:0014180, OMIM 615425.
Multiple sclerosis. Identifiers: MedGen C0026769, MONDO:0005301.

Allele frequency attached by ClinVar (database versions not stated): TOPMed 0.00107; ESP Exome Variant Server 0.00138; gnomAD 0.00193 and 0.00216; gnomAD exomes 0.00234 and 0.00343; 1000 Genomes Project 30x 0.00250; 1000 Genomes Project 0.00280; ExAC 0.00353.
gnomAD v4.1: 3,743 of 1,614,004 alleles (0.23%); highest among the groups gnomAD compares: South Asian, 0.99%; 18 homozygotes.

Submissions (7):

CeGaT Center for Human Genetics Tuebingen
Classification: Likely benign. Last evaluated: 2026-07-01. Review status: criteria provided, single submitter. Criteria: CeGaT Center For Human Genetics Tuebingen Variant Classification Criteria Version 2. Collection method: clinical testing. Allele origin: germline. Affected: yes. Observed: 4 variant alleles.
Comment: DST: BP4, BS2

Labcorp Genetics (formerly Invitae), Labcorp
Classification: Benign for Epidermolysis bullosa simplex 3, localized or generalized intermediate, with BP230 deficiency; Hereditary sensory and autonomic neuropathy type 6. Last evaluated: 2025-12-31. Review status: criteria provided, single submitter. Criteria: Invitae Variant Classification Sherloc (09022015). Collection method: clinical testing. Allele origin: germline.

Dasa
Classification: Benign. Last evaluated: 2025-11-25. Review status: criteria provided, single submitter. Criteria: DASA Assertion Criteria. Collection method: clinical testing. Allele origin: germline.
Comment: NM_001723.7(DST):c.25C>T (p.Arg9Cys) is a missense variant that results in the substitution of arginine with cysteine. Population frequency is inconsistent with a disease-causing role for this variant, and observations in unaffected individuals support a benign interpretation. Therefore, based on the currently available evidence, this variant is classified as benign.

Blueprint Genetics
Classification: Likely benign. Last evaluated: 2024-11-25. Review status: criteria provided, single submitter. Criteria: ACMG Guidelines, 2015. Collection method: clinical testing. Allele origin: germline.

GeneDx
Classification: Likely benign. Last evaluated: 2024-09-11. Review status: criteria provided, single submitter. Criteria: GeneDx Variant Classification Process June 2021. Collection method: clinical testing. Allele origin: germline. Affected: yes.
Comment: See Variant Classification Assertion Criteria.

Mayo Clinic Laboratories, Mayo Clinic
Classification: Benign. Last evaluated: 2022-04-26. Review status: criteria provided, single submitter. Criteria: ACMG Guidelines, 2015. Collection method: clinical testing. Allele origin: germline. Observed: 11 variant alleles.

Department of Molecular Biology and Genetics, Acibadem University
Classification: Likely pathogenic for Multiple sclerosis. Last evaluated: 2024-06-10. Review status: no assertion criteria provided. Collection method: research. Allele origin: germline. Affected: yes. Not counted in ClinVar's aggregate classification.

NM_001723.7(DST):c.25C>T (p.Arg9Cys)

Gene: DST (dystonin; minus strand). Cytogenetic location: 6p12.1.
Variant type: single nucleotide variant.
Coding change: c.25C>T on transcript NM_001723.7 (MANE Plus Clinical); coding-DNA position 25, C replaced by T.
Protein change: p.Arg9Cys; replaces arginine 9 with cysteine.
Molecular consequence: missense variant. On other transcripts: intron variant (9).
Genome position (GRCh38, 1-based): chr6:56,642,764, G>A on the plus strand (C>T on the coding strand, the complement: DST is on the minus strand). VCF-style: chr6-56642764-G-A. GRCh37 (hg19) VCF-style: chr6-56507562-G-A.
Other names: p.Arg9Cys; c.25C>T, p.Arg9Cys (NM_015548.5); c.1680-261C>T (NM_001144769.5); c.1779-261C>T (NM_001374722.1, NM_001374736.1); c.1806-261C>T (NM_001374734.1); c.1266-261C>T (NM_001144770.2); c.1146-261C>T (NM_001374730.1, NM_001386100.1, NM_183380.4 and 1 more transcripts); short protein forms R9C.
Identifiers: ClinVar variation 357622 (VCV000357622.45), dbSNP rs75671065, ClinGen allele CA3871609.